The following is an entry in ClinVar:

ClinVar aggregate classification (germline): Benign/Likely benign. Review status: criteria provided, multiple submitters, no conflicts (2 of 4 stars). 4 submissions from 4 submitters: Benign (2); Likely benign (2). Last evaluated 2026-02-04.

Conditions:
Multiple acyl-CoA dehydrogenase deficiency (MADD). Also called: ETHYLMALONIC-ADIPICACIDURIA; GA II; Glutaric aciduria, type 2; Glutaric acidemia type II; GA 2; Glutaric Acidemia type 2. Identifiers: Orphanet 26791, MedGen C0268596, MONDO:0009282, OMIM 231680.

Allele frequency attached by ClinVar (database versions not stated): gnomAD exomes 0.00019 and 0.00064; ExAC 0.00086; 1000 Genomes Project 0.00180; gnomAD 0.00228 and 0.00249; ESP Exome Variant Server 0.00246; 1000 Genomes Project 30x 0.00250; TOPMed 0.00303.
gnomAD v4.1: 627 of 1,609,624 alleles (0.039%); highest among the groups gnomAD compares: African/African-American, 0.74%; 1 homozygote.

Submissions (4):

Labcorp Genetics (formerly Invitae), Labcorp
Classification: Benign for Multiple acyl-CoA dehydrogenase deficiency. Last evaluated: 2026-02-04. Review status: criteria provided, single submitter. Criteria: Invitae Variant Classification Sherloc (09022015). Collection method: clinical testing. Allele origin: germline.

Mayo Clinic Laboratories, Mayo Clinic
Classification: Likely benign. Last evaluated: 2025-01-28. Review status: criteria provided, single submitter. Criteria: ACMG Guidelines, 2015. Collection method: clinical testing. Allele origin: germline. Observed: 1 variant allele.
Comment: BA1, BP7

Blueprint Genetics
Classification: Likely benign. Last evaluated: 2024-11-25. Review status: criteria provided, single submitter. Criteria: ACMG Guidelines, 2015. Collection method: clinical testing. Allele origin: germline.

GeneDx
Classification: Benign. Last evaluated: 2015-04-27. Review status: criteria provided, single submitter. Criteria: GeneDx Variant Classification (06012015). Collection method: clinical testing. Allele origin: germline. Affected: yes.
Comment: This variant is considered likely benign or benign based on one or more of the following criteria: it is a conservative change, it occurs at a poorly conserved position in the protein, it is predicted to be benign by multiple in silico algorithms, and/or has population frequency not consistent with disease.

NM_000126.4(ETFA):c.186+16G>T

Gene: ETFA (electron transfer flavoprotein subunit alpha; minus strand). Cytogenetic location: 15q24.2.
Variant type: single nucleotide variant.
Coding change: c.186+16G>T on transcript NM_000126.4 (MANE Select); 16 bases into the intron after coding-DNA position 186, G replaced by T.
Molecular consequence: intron variant.
Genome position (GRCh38, 1-based): chr15:76,295,575, C>A on the plus strand (G>T on the coding strand, the complement: ETFA is on the minus strand). VCF-style: chr15-76295575-C-A. GRCh37 (hg19) VCF-style: chr15-76587916-C-A.
Other names: p.?; c.40-2875G>T (NM_001127716.2).
Identifiers: ClinVar variation 377832 (VCV000377832.12), dbSNP rs146932936, ClinGen allele CA7673847.
Genomic context (GRCh38, chr15:76,295,575, plus strand): 5'-TAATTCTCTGTTGCCATCTTTTCCTGTCTCTTGATGGAGATAATATTTGCTATGGCTGAC[C>A]TTAAAAATTTCTCACCTTGTCACATTTGGTTCCAGCTACTAAGCAGGACACTTCACCTCC-3'